The following is an entry in ClinVar:

NM_002880.4(RAF1):c.1898A>C (p.Asp633Ala)

Gene: RAF1 (Raf-1 proto-oncogene, serine/threonine kinase; minus strand). Cytogenetic location: 3p25.2.
Variant type: single nucleotide variant.
Coding change: c.1898A>C on transcript NM_002880.4 (MANE Select); coding-DNA position 1898, A replaced by C.
Protein change: p.Asp633Ala; replaces aspartic acid 633 with alanine.
Molecular consequence: missense variant. On other transcripts: non-coding transcript variant (3).
Genome position (GRCh38, 1-based): chr3:12,584,563, T>G on the plus strand (A>C on the coding strand, the complement: RAF1 is on the minus strand). VCF-style: chr3-12584563-T-G. GRCh37 (hg19) VCF-style: chr3-12626062-T-G.
Other names: c.1958A>C, p.Asp653Ala (NM_001354689.3); c.1898A>C, p.Asp633Ala (NM_001354690.3); c.1655A>C, p.Asp552Ala (NM_001354691.3, NM_001354692.3); c.1799A>C, p.Asp600Ala (NM_001354693.3); c.1715A>C, p.Asp572Ala (NM_001354694.3); c.1556A>C, p.Asp519Ala (NM_001354695.3); short protein forms D552A, D633A, D519A, D572A, D600A, D653A.
Identifiers: ClinVar variation 3786597 (VCV003786597.2).

ClinVar aggregate classification (germline): Uncertain significance. Review status: criteria provided, multiple submitters, no conflicts (2 of 4 stars). 2 submissions from 2 submitters: Uncertain significance (2). Last evaluated 2025-07-02.

Conditions:
Cardiovascular phenotype. Identifiers: MedGen CN230736.
RASopathy. Also called: Noonan spectrum disorder; rasopathies. Identifiers: Orphanet 536391, MedGen C5555857, MONDO:0021060.

Submissions (2):

Labcorp Genetics (formerly Invitae), Labcorp
Classification: Uncertain significance for RASopathy. Last evaluated: 2025-07-02. Review status: criteria provided, single submitter. Criteria: Invitae Variant Classification Sherloc (09022015). Collection method: clinical testing. Allele origin: germline.
Comment: This sequence change replaces aspartic acid, which is acidic and polar, with alanine, which is neutral and non-polar, at codon 633 of the RAF1 protein (p.Asp633Ala). This variant is not present in population databases (gnomAD no frequency). This variant has not been reported in the literature in individuals affected with RAF1-related conditions. ClinVar contains an entry for this variant (Variation ID: 3786597). Invitae Evidence Modeling of protein sequence and biophysical properties (such as structural, functional, and spatial information, amino acid conservation, physicochemical variation, residue mobility, and thermodynamic stability) indicates that this missense variant is expected to disrupt RAF1 protein function with a positive predictive value of 95%. In summary, the available evidence is currently insufficient to determine the role of this variant in disease. Therefore, it has been classified as a Variant of Uncertain Significance.

Ambry Genetics
Classification: Uncertain significance for Cardiovascular phenotype. Last evaluated: 2025-01-19. Review status: criteria provided, single submitter. Criteria: Ambry Variant Classification Scheme 2023. Collection method: clinical testing. Allele origin: germline.
Comment: The p.D633A variant (also known as c.1898A>C), located in coding exon 16 of the RAF1 gene, results from an A to C substitution at nucleotide position 1898. The aspartic acid at codon 633 is replaced by alanine, an amino acid with dissimilar properties. This amino acid position is conserved. In addition, the in silico prediction for this alteration is inconclusive. Based on the available evidence, the clinical significance of this variant remains unclear.